The following is an entry in ClinVar:

ClinVar aggregate classification (germline): Uncertain significance (1 of 4 stars; one submission).

Conditions:
Ataxia-telangiectasia syndrome (AT). Also called: ATAXIA-TELANGIECTASIA, FRESNO VARIANT; Ataxia-telangiectasia, complementation group D; AT, COMPLEMENTATION GROUP C; Cerebello-oculocutaneous telangiectasia; Immunodeficiency with ataxia telangiectasia; Ataxia telangiectasia (A-T). Identifiers: Orphanet 100, MedGen C0004135, MONDO:0008840, OMIM 208900.

Submission:

Labcorp Genetics (formerly Invitae), Labcorp
Classification: Uncertain significance for Ataxia-telangiectasia syndrome. Last evaluated: 2022-03-04. Review status: criteria provided, single submitter. Criteria: Invitae Variant Classification Sherloc (09022015). Collection method: clinical testing. Allele origin: germline.
Comment: Advanced modeling of protein sequence and biophysical properties (such as structural, functional, and spatial information, amino acid conservation, physicochemical variation, residue mobility, and thermodynamic stability) performed at Invitae indicates that this missense variant is not expected to disrupt ATM protein function. ClinVar contains an entry for this variant (Variation ID: 1026895). This variant has not been reported in the literature in individuals affected with ATM-related conditions. This variant is not present in population databases (gnomAD no frequency). This sequence change replaces leucine, which is neutral and non-polar, with valine, which is neutral and non-polar, at codon 1214 of the ATM protein (p.Leu1214Val). In summary, the available evidence is currently insufficient to determine the role of this variant in disease. Therefore, it has been classified as a Variant of Uncertain Significance.

NM_000051.4(ATM):c.3640T>G (p.Leu1214Val)

Gene: ATM (ATM serine/threonine kinase; plus strand). Cytogenetic location: 11q22.3.
Variant type: single nucleotide variant.
Coding change: c.3640T>G on transcript NM_000051.4 (MANE Select); coding-DNA position 3640, T replaced by G.
Protein change: p.Leu1214Val; replaces leucine 1214 with valine.
Molecular consequence: missense variant.
Genome position (GRCh38, 1-based): chr11:108,282,773, T>G. VCF-style: chr11-108282773-T-G. GRCh37 (hg19) VCF-style: chr11-108153500-T-G.
Other names: c.3640T>G, p.Leu1214Val (NM_001351834.2); short protein forms L1214V.
Identifiers: ClinVar variation 1026895 (VCV001026895.6), dbSNP rs2082299514, ClinGen allele CA382522911.